The following is an entry in ClinVar:

ClinVar aggregate classification (germline): Uncertain significance (1 of 4 stars; one submission).

gnomAD v4.1: 6 of 1,606,072 alleles (0.00037%); highest among the groups gnomAD compares: African/African-American, 0.004%; no homozygotes.

Submission:

GeneDx
Classification: Uncertain significance. Last evaluated: 2023-12-10. Review status: criteria provided, single submitter. Criteria: GeneDx Variant Classification Process June 2021. Collection method: clinical testing. Allele origin: germline. Affected: yes.
Comment: Not observed at significant frequency in large population cohorts (gnomAD); In silico analysis supports that this variant does not alter splicing; Has not been previously published as pathogenic or benign to our knowledge

NM_014915.3(ANKRD26):c.4999+5G>A

Gene: ANKRD26 (ankyrin repeat domain containing 26; minus strand). Cytogenetic location: 10p12.1.
Variant type: single nucleotide variant.
Coding change: c.4999+5G>A on transcript NM_014915.3 (MANE Select); 5 bases into the intron after coding-DNA position 4999, G replaced by A.
Molecular consequence: intron variant.
Genome position (GRCh38, 1-based): chr10:27,006,912, C>T on the plus strand (G>A on the coding strand, the complement: ANKRD26 is on the minus strand). VCF-style: chr10-27006912-C-T. GRCh37 (hg19) VCF-style: chr10-27295841-C-T.
Other names: c.4996+5G>A (NM_001256053.2).
Identifiers: ClinVar variation 3365353 (VCV003365353.1).